The following is an entry in ClinVar:

ClinVar aggregate classification (germline): Uncertain significance (1 of 4 stars; one submission).

Conditions:
Joubert syndrome. Also called: CEREBELLOPARENCHYMAL DISORDER IV; JOUBERT-BOLTSHAUSER SYNDROME; Familial aplasia of the vermis. Identifiers: Orphanet 475, MedGen C5979921, MONDO:0018772.
Orofaciodigital syndrome I (OFD1). Also called: OFDS I; Papillon-Leage and Psaume Syndrome; Oral-Facial-Digital Syndrome Type I. Identifiers: Orphanet 2750, MedGen C1510460, MONDO:0010702, OMIM 311200.

gnomAD v4.1: 1 of 1,210,187 alleles (0.000083%); highest among the groups gnomAD compares: Admixed American, 0.0022%; no homozygotes.

Submission:

Labcorp Genetics (formerly Invitae), Labcorp
Classification: Uncertain significance for Orofaciodigital syndrome I; Joubert syndrome. Last evaluated: 2022-02-03. Review status: criteria provided, single submitter. Criteria: Invitae Variant Classification Sherloc (09022015). Collection method: clinical testing. Allele origin: germline.
Comment: In summary, the available evidence is currently insufficient to determine the role of this variant in disease. Therefore, it has been classified as a Variant of Uncertain Significance. Algorithms developed to predict the effect of missense changes on protein structure and function output the following: SIFT: "Tolerated"; PolyPhen-2: "Benign"; Align-GVGD: "Class C0". The alanine amino acid residue is found in multiple mammalian species, which suggests that this missense change does not adversely affect protein function. This variant has not been reported in the literature in individuals affected with OFD1-related conditions. The frequency data for this variant in the population databases is considered unreliable, as metrics indicate poor data quality at this position in the gnomAD database. This sequence change replaces valine, which is neutral and non-polar, with alanine, which is neutral and non-polar, at codon 795 of the OFD1 protein (p.Val795Ala).

NM_003611.3(OFD1):c.2384T>C (p.Val795Ala)

Gene: OFD1 (OFD1 centriole and centriolar satellite protein; plus strand). Cytogenetic location: Xp22.2.
Variant type: single nucleotide variant.
Coding change: c.2384T>C on transcript NM_003611.3 (MANE Select); coding-DNA position 2384, T replaced by C.
Protein change: p.Val795Ala; replaces valine 795 with alanine.
Molecular consequence: missense variant.
Genome position (GRCh38, 1-based): chrX:13,761,208, T>C. VCF-style: chrX-13761208-T-C. GRCh37 (hg19) VCF-style: chrX-13779327-T-C.
Other names: c.2264T>C, p.Val755Ala (NM_001330209.2); c.1964T>C, p.Val655Ala (NM_001330210.2); short protein forms V655A, V795A, V755A.
Identifiers: ClinVar variation 1958440 (VCV001958440.5), dbSNP rs1426930747, ClinGen allele CA412345135.